The following is an entry in ClinVar:

ClinVar aggregate classification (germline): Uncertain significance. Review status: criteria provided, multiple submitters, no conflicts (2 of 4 stars). 2 submissions from 2 submitters: Uncertain significance (2). Last evaluated 2023-05-25.

Conditions:
Methylmalonic aciduria, cblA type (MACA). Also called: Methylmalonic aciduria, vitamin b12-responsive, due to defect in synthesis of adenosylcobalamin, cbla complementation type; MMA cbl A type; Methylmalonic acidemia cblA type; Vitamin B12-responsive methylmalonic acidemia type cblA; Methylmalonic aciduria, vitamin B12-responsive. Identifiers: Orphanet 28, Orphanet 79310, MedGen C1855109, MONDO:0009613, OMIM 251100.

Allele frequency attached by ClinVar (database versions not stated): ExAC 0.00002; gnomAD exomes 0.00002; TOPMed 0.00002; gnomAD 0.00003; ESP Exome Variant Server 0.00015.

Submissions (2):

Women's Health and Genetics/Laboratory Corporation of America, LabCorp
Classification: Uncertain significance. Last evaluated: 2023-05-25. Review status: criteria provided, single submitter. Criteria: LabCorp Variant Classification Summary - May 2015. Collection method: clinical testing. Allele origin: germline.
Comment: Variant summary: MMAA c.587G>A (p.Arg196Gln) results in a conservative amino acid change in the encoded protein sequence. Four of five in-silico tools predict a damaging effect of the variant on protein function. The variant allele was found at a frequency of 2.4e-05 in 251378 control chromosomes (gnomAD). The available data on variant occurrences in the general population are insufficient to allow any conclusion about variant significance. c.587G>A has been reported in the literature in an individual affected with Methylmalonic Acidemia, however this individual also had a pathogenic second allele in cis and was homozygous for this genotype (example: Plessl_2017). This report does not provide unequivocal conclusions about association of the variant with Methylmalonic Acidemia. At least one publication reports experimental evidence evaluating an impact on protein function, and demonstrated that the variant protein had normal intrinsic GTPase activity but reduced Catalytic Efficiency (example: Plessl_2017). The following publication has been ascertained in the context of this evaluation (PMID: 28497574). No clinical diagnostic laboratories have submitted clinical-significance assessments for this variant to ClinVar after 2014. Based on the evidence outlined above, the variant was classified as uncertain significance.

University Children's Hospital, University of Zurich
Classification: Uncertain significance for Methylmalonic aciduria, cblA type. Review status: criteria provided, single submitter. Criteria: ZB-IEM Variant Assertion Criteria. Collection method: clinical testing. Allele origin: germline. Affected: yes. Observed: 1 variant allele.
Comment: Found in combination with mutation NM_172250.2:c.733+1G>A in same allele

Literature cited by the submitters: PubMed 28497574 (cited by Women's Health and Genetics/Laboratory Corporation of America, LabCorp).

NM_172250.3(MMAA):c.587G>A (p.Arg196Gln)

Gene: MMAA (metabolism of cobalamin associated A; plus strand). Cytogenetic location: 4q31.21.
Variant type: single nucleotide variant.
Coding change: c.587G>A on transcript NM_172250.3 (MANE Select); coding-DNA position 587, G replaced by A.
Protein change: p.Arg196Gln; replaces arginine 196 with glutamine.
Molecular consequence: missense variant.
Genome position (GRCh38, 1-based): chr4:145,646,010, G>A. VCF-style: chr4-145646010-G-A. GRCh37 (hg19) VCF-style: chr4-146567162-G-A.
Other names: short protein forms R196Q.
Identifiers: ClinVar variation 440812 (VCV000440812.3), dbSNP rs144389160, ClinGen allele CA3095216.
Genomic context (GRCh38, chr4:145,646,010, plus strand): 5'-TGTTCCATGATTATAAAATGTAACTGTATGTTTTAGGATCACTCTTAGGTGATAAAACCC[G>A]AATGACTGAGTTATCAAGAGATATGAATGCATACATCAGGCCATCTCCTACTAGAGGAAC-3'
Protein context (NP_758454.1, residues 186-206): SGGSLLGDKT[Arg196Gln]MTELSRDMNA